The following is an entry in ClinVar:

NM_006757.4(TNNT3):c.682-2A>G

Gene: TNNT3 (troponin T3, fast skeletal type; plus strand). Cytogenetic location: 11p15.5.
Variant type: single nucleotide variant.
Coding change: c.682-2A>G on transcript NM_006757.4 (MANE Select); the canonical splice acceptor site of the intron before coding-DNA position 682, A replaced by G.
Molecular consequence: splice acceptor variant. On other transcripts: intron variant (2).
Genome position (GRCh38, 1-based): chr11:1,936,961, A>G. VCF-style: chr11-1936961-A-G. GRCh37 (hg19) VCF-style: chr11-1958191-A-G.
Other names: c.658-2A>G (NM_001297646.2, NM_001042782.3, NM_001367845.1 and 1 more transcripts); c.715-2A>G (NM_001367846.1); c.691-2A>G (NM_001363561.2, NM_001367847.1); c.676-2A>G (NM_001042781.3, NM_001367842.1); c.679-2A>G (NM_001367848.1); c.698+707A>G (NM_001042780.3); c.625-2A>G (NM_001367850.1); c.478-2A>G (NM_001367851.1, NM_001367852.1); and 2 more.
Identifiers: ClinVar variation 2805208 (VCV002805208.3), dbSNP rs756061582, ClinGen allele CA5816632.

ClinVar aggregate classification (germline): Uncertain significance (1 of 4 stars; one submission).

Allele frequency attached by ClinVar (database versions not stated): gnomAD exomes below 0.00001; ExAC 0.00001; gnomAD 0.00001.

Submission:

Labcorp Genetics (formerly Invitae), Labcorp
Classification: Uncertain significance. Last evaluated: 2023-11-20. Review status: criteria provided, single submitter. Criteria: Invitae Variant Classification Sherloc (09022015). Collection method: clinical testing. Allele origin: germline.
Comment: This sequence change affects an acceptor splice site in intron 14 of the TNNT3 gene. It is expected to disrupt RNA splicing. Variants that disrupt the donor or acceptor splice site typically lead to a loss of protein function (PMID: 16199547), however the current clinical and genetic evidence is not sufficient to establish whether loss-of-function variants in TNNT3 cause disease. The frequency data for this variant in the population databases is considered unreliable, as metrics indicate poor data quality at this position in the gnomAD database. This variant has not been reported in the literature in individuals affected with TNNT3-related conditions. Algorithms developed to predict the effect of sequence changes on RNA splicing suggest that this variant may disrupt the consensus splice site. In summary, the available evidence is currently insufficient to determine the role of this variant in disease. Therefore, it has been classified as a Variant of Uncertain Significance.

Literature cited by the submitters: PubMed 16199547.